The following is an entry in ClinVar:

NM_014915.3(ANKRD26):c.2314G>A (p.Glu772Lys)

Gene: ANKRD26 (ankyrin repeat domain 26; minus strand). Cytogenetic location: 10p12.1.
Variant type: single nucleotide variant.
Coding change: c.2314G>A on transcript NM_014915.3 (MANE Select); coding-DNA position 2314, G replaced by A.
Protein change: p.Glu772Lys; replaces glutamic acid 772 with lysine.
Molecular consequence: missense variant.
Genome position (GRCh38, 1-based): chr10:27,040,026, C>T on the plus strand (G>A on the coding strand, the complement: ANKRD26 is on the minus strand). VCF-style: chr10-27040026-C-T. GRCh37 (hg19) VCF-style: chr10-27328955-C-T.
Other names: c.2311G>A, p.Glu771Lys (NM_001256053.2); short protein forms E772K, E771K.
Identifiers: ClinVar variation 2172269 (VCV002172269.6), dbSNP rs568696333, ClinGen allele CA5448256.

ClinVar aggregate classification (germline): Conflicting classifications of pathogenicity. Review status: criteria provided, conflicting classifications (1 of 4 stars). 3 submissions from 3 submitters: Uncertain significance (1); Likely benign (2). Last evaluated 2025-07-14.

Conditions:
Inborn genetic diseases. Identifiers: MedGen C0950123, MeSH D030342.

Allele frequency attached by ClinVar (database versions not stated): TOPMed below 0.00001; gnomAD 0.00004; gnomAD exomes 0.00008; ExAC 0.00022; 1000 Genomes Project 30x 0.00047; 1000 Genomes Project 0.00060.
gnomAD v4.1: 128 of 1,613,728 alleles (0.0079%); highest among the groups gnomAD compares: South Asian, 0.14%; 1 homozygote.

Submissions (3):

Labcorp Genetics (formerly Invitae), Labcorp
Classification: Likely benign. Last evaluated: 2025-07-14. Review status: criteria provided, single submitter. Criteria: Invitae Variant Classification Sherloc (09022015). Collection method: clinical testing. Allele origin: germline.

Ambry Genetics
Classification: Uncertain significance for Inborn genetic diseases. Last evaluated: 2025-02-07. Review status: criteria provided, single submitter. Criteria: Ambry Variant Classification Scheme 2023. Collection method: clinical testing. Allele origin: germline.
Comment: The p.E772K variant (also known as c.2314G>A), located in coding exon 21 of the ANKRD26 gene, results from a G to A substitution at nucleotide position 2314. The glutamic acid at codon 772 is replaced by lysine, an amino acid with similar properties. This amino acid position is conserved. In addition, this alteration is predicted to be tolerated by in silico analysis. Based on the available evidence, the clinical significance of this variant remains unclear.

Blueprint Genetics
Classification: Likely benign. Last evaluated: 2024-01-09. Review status: criteria provided, single submitter. Criteria: ACMG Guidelines, 2015. Collection method: clinical testing. Allele origin: germline.